The following is an entry in ClinVar:

ClinVar aggregate classification (germline): Pathogenic. Review status: reviewed by expert panel (3 of 4 stars). 8 submissions from 8 submitters: Pathogenic (1). 7 of the submissions do not count toward it. Last evaluated 2016-09-08.

Conditions:
Hereditary cancer-predisposing syndrome. Also called: Tumor predisposition; Neoplastic Syndromes, Hereditary; Hereditary Cancer Syndrome; Hereditary neoplastic syndrome. Identifiers: Orphanet 140162, MedGen C0027672, MeSH D009386, MONDO:0015356.
Hereditary breast ovarian cancer syndrome. Also called: Hereditary breast and ovarian cancer syndrome (HBOC); Hereditary breast and ovarian cancer syndrome; Hereditary breast and ovarian cancer; Hereditary breast and/or ovarian cancer syndrome; Breast and ovarian cancer; BRCA1- and BRCA2-Associated Hereditary Breast and Ovarian Cancer. Identifiers: Orphanet 145, MedGen C0677776, MeSH D061325, MONDO:0003582. Disease mechanism: loss of function.
Breast-ovarian cancer, familial, susceptibility to, 1 (BROVCA1). Also called: OVARIAN CANCER, SUSCEPTIBILITY TO; BRCA1 Hereditary Breast and Ovarian Cancer. Identifiers: Orphanet 145, MedGen C2676676, MONDO:0011450, OMIM 604370. Disease mechanism: loss of function.

Submissions (9):

Evidence-based Network for the Interpretation of Germline Mutant Alleles (ENIGMA)
Classification: Pathogenic for Breast-ovarian cancer, familial, susceptibility to, 1. Last evaluated: 2016-09-08. Review status: reviewed by expert panel. Criteria: ENIGMA BRCA1/2 Classification Criteria (2015). Collection method: curation. Allele origin: germline.
Comment: Variant allele predicted to encode a truncated non-functional protein.

Labcorp Genetics (formerly Invitae), Labcorp
Classification: Pathogenic for Hereditary breast ovarian cancer syndrome. Last evaluated: 2026-01-28. Review status: criteria provided, single submitter. Criteria: Invitae Variant Classification Sherloc (09022015). Collection method: clinical testing. Allele origin: germline. Not counted in ClinVar's aggregate classification.
Comment: This sequence change creates a premature translational stop signal (p.Ser1796*) in the BRCA1 gene. It is expected to result in an absent or disrupted protein product. Loss-of-function variants in BRCA1 are known to be pathogenic (PMID: 20104584). This variant is not present in population databases (gnomAD no frequency). This premature translational stop signal has been observed in individual(s) with breast cancer (PMID: 19491284, 23320992). This variant is also known as c.5506C>A. ClinVar contains an entry for this variant (Variation ID: 37663). For these reasons, this variant has been classified as Pathogenic.

Ambry Genetics
Classification: Pathogenic for Hereditary cancer-predisposing syndrome. Last evaluated: 2024-09-04. Review status: criteria provided, single submitter. Criteria: Ambry Variant Classification Scheme 2023. Collection method: clinical testing. Allele origin: germline. Not counted in ClinVar's aggregate classification.
Comment: The p.S1796* pathogenic mutation (also known as c.5387C>A), located in coding exon 20 of the BRCA1 gene, results from a C to A substitution at nucleotide position 5387. This changes the amino acid from a serine to a stop codon within coding exon 20. This alteration has been in individuals diagnosed with breast cancer (Haffty BG et al. Ann Oncol, 2009 Oct;20:1653-9; Pal T et al. Breast J. 2013;19:189-92). One functional study found that this nucleotide substitution is non-functional in a high-throughput, genome editing, haploid cell survival assay (Findlay GM et al. Nature, 2018 10;562:217-222). This variant is considered to be rare based on population cohorts in the Genome Aggregation Database (gnomAD). Of note, this alteration is also designated as 5506C>A in published literature. In addition to the clinical data presented in the literature, this alteration is expected to result in loss of function by premature protein truncation or nonsense-mediated mRNA decay. As such, this alteration is interpreted as a disease-causing mutation.

Women's Health and Genetics/Laboratory Corporation of America, LabCorp
Classification: Pathogenic for Hereditary breast ovarian cancer syndrome. Last evaluated: 2023-03-09. Review status: criteria provided, single submitter. Criteria: LabCorp Variant Classification Summary - May 2015. Collection method: clinical testing. Allele origin: germline. Not counted in ClinVar's aggregate classification.
Comment: Variant summary: BRCA1 c.5387C>A (p.Ser1796X) results in a premature termination codon, predicted to cause a truncation of the encoded protein or absence of the protein due to nonsense mediated decay, which are commonly known mechanisms for disease. Truncations downstream of this position have been classified as pathogenic by our laboratory. The variant was absent in 251448 control chromosomes. c.5387C>A has been reported in the literature in individuals affected with Breast Cancer (Haffty_2009, Pal_2013, Pal_2015). These data indicate that the variant is likely to be associated with disease. At least one functional study reports experimental evidence evaluating an impact on protein function and showed a damaging effect of this variant on homology directed repair (HDR) activity (Findlay_2018). HDR assays qualify as a recognized gold standard on the basis of updated guidance provided by the ClinGen Sequence Variant Interpretation (SVI) working group. Five submitters, including an expert panel (ENIGMA), have provided clinical-significance assessments for this variant to ClinVar after 2014, and all classified the variant as pathogenic/likely pathogenic. Based on the evidence outlined above, the variant was classified as pathogenic.

GeneDx
Classification: Pathogenic. Last evaluated: 2020-12-30. Review status: criteria provided, single submitter. Criteria: GeneDx Variant Classification Process June 2021. Collection method: clinical testing. Allele origin: germline. Affected: yes. Not counted in ClinVar's aggregate classification.
Comment: Nonsense variant predicted to result in protein truncation or nonsense mediated decay in a gene for which loss-of-function is a known mechanism of disease; Not observed in large population cohorts (Lek et al. 2016); Truncating variants in this gene are considered pathogenic by a well-established clinical consortium and/or database; Observed in individuals with BRCA1-related cancers (Haffty et al. 2009, Pal et al. 2013, Pal et al. 2015); Also known as BRCA1 5506C>A; This variant is associated with the following publications: (PMID: 19491284, 28152038, 26287763, 23320992, 30209399, 28918466)

Quest Diagnostics Nichols Institute San Juan Capistrano
Classification: Pathogenic for Breast-ovarian cancer, familial, susceptibility to, 1. Last evaluated: 2015-07-06. Review status: criteria provided, single submitter. Criteria: Quest Diagnostics criteria. Collection method: clinical testing. Allele origin: germline. Inheritance: Autosomal dominant inheritance. Not counted in ClinVar's aggregate classification.

Sharing Clinical Reports Project (SCRP)
Classification: Pathogenic for Breast-ovarian cancer, familial 1. Last evaluated: 2010-04-30. Review status: no assertion criteria provided. Collection method: clinical testing. Allele origin: germline. Not counted in ClinVar's aggregate classification.

Breast Cancer Information Core (BIC) (BRCA1)
Classification: Pathogenic for Breast-ovarian cancer, familial 1. Last evaluated: 2004-02-20. Review status: no assertion criteria provided. Collection method: clinical testing. Allele origin: germline. Affected: yes. Observed: 1 variant allele. Not counted in ClinVar's aggregate classification.

Brotman Baty Institute, University of Washington
No classification provided (evidence only). Condition: Breast-ovarian cancer, familial 1. Review status: no classification provided. Collection method: in vitro. Allele origin: not applicable. Functional consequence: functionally_abnormal. Not counted in ClinVar's aggregate classification.
ClinVar note: "not provided" was previously submitted as the classification for the variant. However, the classification appeared to be based only on an observation of functional data so it was converted to no classification on 2025-07-30.

Literature cited by the submitters: PubMed 20104584 (cited by Labcorp Genetics (formerly Invitae), Labcorp); PubMed 19491284 (cited by 4 submitters); PubMed 23320992 (cited by 4 submitters); PubMed 26287763 (cited by Ambry Genetics and Women's Health and Genetics/Laboratory Corporation of America, LabCorp); PubMed 30209399 (cited by Ambry Genetics and Women's Health and Genetics/Laboratory Corporation of America, LabCorp); PubMed 26295337 (cited by Quest Diagnostics Nichols Institute San Juan Capistrano).

NM_007294.4(BRCA1):c.5387C>A (p.Ser1796Ter)

Gene: BRCA1 (BRCA1 DNA repair associated; minus strand). Cytogenetic location: 17q21.31.
Variant type: single nucleotide variant.
Coding change: c.5387C>A on transcript NM_007294.4 (MANE Select); coding-DNA position 5387, C replaced by A.
Protein change: p.Ser1796Ter; replaces serine 1796 with a stop codon.
Molecular consequence: nonsense. On other transcripts: non-coding transcript variant (1), intron variant (1).
Genome position (GRCh38, 1-based): chr17:43,049,140, G>T on the plus strand (C>A on the coding strand, the complement: BRCA1 is on the minus strand). VCF-style: chr17-43049140-G-T. GRCh37 (hg19) VCF-style: chr17-41201157-G-T.
Other names: 5506C>A; c.2144C>A, p.Ser715Ter (NM_001407970.1, NM_001407971.1); c.2141C>A, p.Ser714Ter (NM_001407972.1); c.2078C>A, p.Ser693Ter (NM_001407973.1, NM_001407974.1, NM_001407975.1 and 3 more transcripts); c.2075C>A, p.Ser692Ter (NM_001407979.1, NM_001407980.1, NM_001407981.1 and 11 more transcripts); c.2072C>A, p.Ser691Ter (NM_001408392.1, NM_001408396.1, NM_001408397.1 and 7 more transcripts); c.2069C>A, p.Ser690Ter (NM_001408406.1, NM_001408407.1, NM_001408408.1); c.2066C>A, p.Ser689Ter (NM_001408409.1); and 74 more; short protein forms S1796*, S692*, S1817*, S1749*, S584*, S604*, S626*, S650*.
Identifiers: ClinVar variation 37663 (VCV000037663.24), dbSNP rs80357055, ClinGen allele CA003546.